The following is an entry in ClinVar:

NM_001379081.2(FREM1):c.2127A>G (p.Val709=)

Gene: FREM1 (FRAS1 related extracellular matrix 1; minus strand). Cytogenetic location: 9p22.3.
Variant type: single nucleotide variant.
Coding change: c.2127A>G on transcript NM_001379081.2 (MANE Select); coding-DNA position 2127, A replaced by G.
Protein change: p.Val709=; no amino-acid change (valine 709 retained).
Molecular consequence: synonymous variant. On other transcripts: non-coding transcript variant (2).
Genome position (GRCh38, 1-based): chr9:14,824,067, T>C on the plus strand (A>G on the coding strand, the complement: FREM1 is on the minus strand). VCF-style: chr9-14824067-T-C. GRCh37 (hg19) VCF-style: chr9-14824065-T-C.
Other names: c.2127A>G, p.Val709= (NM_144966.7); c.2127A>G (NM_144966.5).
Identifiers: ClinVar variation 2716037 (VCV002716037.6), dbSNP rs200760404, ClinGen allele CA4991028.

ClinVar aggregate classification (germline): Likely benign. Review status: criteria provided, multiple submitters, no conflicts (2 of 4 stars). 3 submissions from 3 submitters: Likely benign (2). 1 of the submissions does not count toward it. Last evaluated 2025-11-12.

Conditions:
FREM1-related disorder. Also called: FREM1-related condition; FREM1-Related Disorders.

Allele frequency attached by ClinVar (database versions not stated): gnomAD exomes 0.00003; 1000 Genomes Project 30x 0.00016; 1000 Genomes Project 0.00020; ExAC 0.00021; gnomAD 0.00029; ESP Exome Variant Server 0.00033; TOPMed 0.00037.
gnomAD v4.1: 100 of 1,593,002 alleles (0.0063%); highest among the groups gnomAD compares: African/African-American, 0.11%; no homozygotes.

Submissions (3):

Labcorp Genetics (formerly Invitae), Labcorp
Classification: Likely benign. Last evaluated: 2025-11-12. Review status: criteria provided, single submitter. Criteria: Invitae Variant Classification Sherloc (09022015). Collection method: clinical testing. Allele origin: germline.

Blueprint Genetics
Classification: Likely benign. Last evaluated: 2024-06-05. Review status: criteria provided, single submitter. Criteria: ACMG Guidelines, 2015. Collection method: clinical testing. Allele origin: germline.

PreventionGenetics, part of Exact Sciences
Classification: Likely benign for FREM1-related condition. Last evaluated: 2023-11-28. Review status: no assertion criteria provided. Collection method: clinical testing. Allele origin: germline. Not counted in ClinVar's aggregate classification.
Comment: This variant is classified as likely benign based on ACMG/AMP sequence variant interpretation guidelines (Richards et al. 2015 PMID: 25741868, with internal and published modifications).